The following is an entry in ClinVar:

ClinVar aggregate classification (germline): Uncertain significance. Review status: criteria provided, multiple submitters, no conflicts (2 of 4 stars). 2 submissions from 2 submitters: Uncertain significance (2). Last evaluated 2025-04-11.

Conditions:
Inborn genetic diseases. Identifiers: MedGen C0950123, MeSH D030342.

Allele frequency attached by ClinVar (database versions not stated): gnomAD 0.00003; TOPMed 0.00003.

Submissions (2):

Ambry Genetics
Classification: Uncertain significance for Inborn genetic diseases. Last evaluated: 2025-04-11. Review status: criteria provided, single submitter. Criteria: Ambry Variant Classification Scheme 2023. Collection method: clinical testing. Allele origin: germline.

Labcorp Genetics (formerly Invitae), Labcorp
Classification: Uncertain significance. Last evaluated: 2022-08-21. Review status: criteria provided, single submitter. Criteria: Invitae Variant Classification Sherloc (09022015). Collection method: clinical testing. Allele origin: germline.
Comment: This sequence change replaces arginine, which is basic and polar, with lysine, which is basic and polar, at codon 27 of the MRPS34 protein (p.Arg27Lys). This variant is present in population databases (rs759517804, gnomAD 0.1%). This variant has not been reported in the literature in individuals affected with MRPS34-related conditions. Algorithms developed to predict the effect of missense changes on protein structure and function (SIFT, PolyPhen-2, Align-GVGD) all suggest that this variant is likely to be tolerated. In summary, the available evidence is currently insufficient to determine the role of this variant in disease. Therefore, it has been classified as a Variant of Uncertain Significance.

NM_023936.2(MRPS34):c.80G>A (p.Arg27Lys)

Genes: EME2 (essential meiotic structure-specific endonuclease subunit 2; plus strand), MRPS34 (mitochondrial ribosomal protein S34; minus strand). Cytogenetic location: 16p13.3.
Variant type: single nucleotide variant.
Coding change: c.80G>A on transcript NM_023936.2 (MANE Select); coding-DNA position 80, G replaced by A.
Protein change: p.Arg27Lys; replaces arginine 27 with lysine.
Molecular consequence: missense variant. On other transcripts: 5 prime UTR variant (1).
Genome position (GRCh38, 1-based): chr16:1,773,040, C>T on the plus strand (G>A on the coding strand, the complement: MRPS34 is on the minus strand). VCF-style: chr16-1773040-C-T. GRCh37 (hg19) VCF-style: chr16-1823041-C-T.
Other names: c.-188C>T (NM_001257370.2); c.80G>A, p.Arg27Lys (NM_001300900.2); c.80G>A (NM_023936.1); short protein forms R27K.
Identifiers: ClinVar variation 2074687 (VCV002074687.2), dbSNP rs759517804, ClinGen allele CA7818438.